The following is an entry in ClinVar:

ClinVar aggregate classification (germline): Pathogenic (1 of 4 stars; one submission).

Conditions:
Pitt-Hopkins-like syndrome 2 (PTHSL2). Identifiers: Orphanet 221150, Orphanet 600663, MedGen C3280479, MONDO:0013690, OMIM 614325.

Submission:

Labcorp Genetics (formerly Invitae), Labcorp
Classification: Pathogenic for Pitt-Hopkins-like syndrome 2. Last evaluated: 2022-04-29. Review status: criteria provided, single submitter. Criteria: Invitae Variant Classification Sherloc (09022015). Collection method: clinical testing. Allele origin: germline.
Comment: This variant has not been reported in the literature in individuals affected with NRXN1-related conditions. This variant is a gross deletion of the genomic region encompassing exon(s) 2-19 of the NRXN1 gene, which includes the initiator codon. This deletion extends beyond the assayed region for this gene and therefore may encompass additional genes. It is expected to result in an absent or disrupted protein product. Loss-of-function variants in NRXN1 are known to be pathogenic (PMID: 19896112, 21964664, 23495017, 23533028, 25149956, 30031152). For these reasons, this variant has been classified as Pathogenic.

Literature cited by the submitters: PubMed 19896112; PubMed 21964664; PubMed 23495017; PubMed 23533028; PubMed 25149956; PubMed 30031152.

NC_000002.11:g.(?_50463907)_(51255411_?)del

Gene: NRXN1 (neurexin 1; minus strand). Cytogenetic location: 2p16.3.
Variant type: Deletion.
Identifiers: ClinVar variation 2423806 (VCV002423806.3).